The following is an entry in ClinVar:

ClinVar aggregate classification (germline): Uncertain significance (1 of 4 stars; one submission).

Conditions:
Generalized epilepsy with febrile seizures plus, type 7 (GEFSP7). Also called: GEFS+, TYPE 7. Identifiers: Orphanet 36387, MedGen C2751778, MONDO:0013470, OMIM 613863.
Neuropathy, hereditary sensory and autonomic, type 2A (HSAN2A). Also called: WNK1-Related HSAN2 (HSAN2A); ACROOSTEOLYSIS, GIACCAI TYPE; ACROOSTEOLYSIS, NEUROGENIC; HSAN IIA; MORVAN DISEASE; NEUROPATHY, CONGENITAL SENSORY. Identifiers: Orphanet 970, MedGen C2752089, MONDO:0024309, OMIM 201300.

Allele frequency attached by ClinVar (database versions not stated): TOPMed 0.00001.

Submission:

Labcorp Genetics (formerly Invitae), Labcorp
Classification: Uncertain significance for Neuropathy, hereditary sensory and autonomic, type 2A; Generalized epilepsy with febrile seizures plus, type 7. Last evaluated: 2022-10-10. Review status: criteria provided, single submitter. Criteria: Invitae Variant Classification Sherloc (09022015). Collection method: clinical testing. Allele origin: germline.
Comment: In summary, the available evidence is currently insufficient to determine the role of this variant in disease. Therefore, it has been classified as a Variant of Uncertain Significance. Advanced modeling of protein sequence and biophysical properties (such as structural, functional, and spatial information, amino acid conservation, physicochemical variation, residue mobility, and thermodynamic stability) has been performed at Invitae for this missense variant, however the output from this modeling did not meet the statistical confidence thresholds required to predict the impact of this variant on SCN9A protein function. This variant has not been reported in the literature in individuals affected with SCN9A-related conditions. This variant is not present in population databases (gnomAD no frequency). This sequence change replaces aspartic acid, which is acidic and polar, with asparagine, which is neutral and polar, at codon 1961 of the SCN9A protein (p.Asp1961Asn).

NM_001365536.1(SCN9A):c.5914G>A (p.Asp1972Asn)

Genes: SCN1A-AS1 (SCN1A and SCN9A antisense RNA 1; plus strand), SCN9A (sodium voltage-gated channel alpha subunit 9; minus strand). Cytogenetic location: 2q24.3.
Variant type: single nucleotide variant.
Coding change: c.5914G>A on transcript NM_001365536.1 (MANE Select); coding-DNA position 5914, G replaced by A.
Protein change: p.Asp1972Asn; replaces aspartic acid 1972 with asparagine.
Molecular consequence: missense variant.
Genome position (GRCh38, 1-based): chr2:166,198,725, C>T on the plus strand (G>A on the coding strand, the complement: SCN9A is on the minus strand). VCF-style: chr2-166198725-C-T. GRCh37 (hg19) VCF-style: chr2-167055235-C-T.
Other names: c.5881G>A, p.Asp1961Asn (NM_002977.4); short protein forms D1972N, D1961N.
Identifiers: ClinVar variation 1962931 (VCV001962931.5), dbSNP rs1693323281, ClinGen allele CA349051090.